The following is an entry in ClinVar:

NM_001005242.3(PKP2):c.1197G>C (p.Lys399Asn)

Gene: PKP2 (plakophilin 2; minus strand). Cytogenetic location: 12p11.21.
Variant type: single nucleotide variant.
Coding change: c.1197G>C on transcript NM_001005242.3 (MANE Select); coding-DNA position 1197, G replaced by C.
Protein change: p.Lys399Asn; replaces lysine 399 with asparagine.
Molecular consequence: missense variant.
Genome position (GRCh38, 1-based): chr12:32,850,947, C>G on the plus strand (G>C on the coding strand, the complement: PKP2 is on the minus strand). VCF-style: chr12-32850947-C-G. GRCh37 (hg19) VCF-style: chr12-33003881-C-G.
Other names: c.1197G>C, p.Lys399Asn (NM_001407155.1, NM_001407156.1, NM_001407157.1 and 2 more transcripts); c.870G>C, p.Lys290Asn (NM_001407158.1, NM_001407159.1, NM_001407160.1 and 1 more transcripts); short protein forms K399N, K290N.
Identifiers: ClinVar variation 4731930 (VCV004731930.1).

ClinVar aggregate classification (germline): Uncertain significance (1 of 4 stars; one submission).

Conditions:
Arrhythmogenic right ventricular dysplasia 9 (ARVD9). Also called: Arrhythmogenic Right Ventricular Dysplasia/Cardiomyopathy 9; ARRHYTHMOGENIC RIGHT VENTRICULAR DYSPLASIA, FAMILIAL, 9. Identifiers: MedGen C1836906, MONDO:0012180, OMIM 609040.

Submission:

Labcorp Genetics (formerly Invitae), Labcorp
Classification: Uncertain significance for Arrhythmogenic right ventricular dysplasia 9. Last evaluated: 2025-11-25. Review status: criteria provided, single submitter. Criteria: Invitae Variant Classification Sherloc (09022015). Collection method: clinical testing. Allele origin: germline.
Comment: This sequence change replaces lysine, which is basic and polar, with asparagine, which is neutral and polar, at codon 399 of the PKP2 protein (p.Lys399Asn). This variant is not present in population databases (gnomAD no frequency). This variant has not been reported in the literature in individuals affected with PKP2-related conditions. An algorithm developed to predict the effect of missense changes on protein structure and function (PolyPhen-2) suggests that this variant is likely to be disruptive. In summary, the available evidence is currently insufficient to determine the role of this variant in disease. Therefore, it has been classified as a Variant of Uncertain Significance.